The following is an entry in ClinVar:

ClinVar aggregate classification (germline): Uncertain significance (1 of 4 stars; one submission).

Allele frequency attached by ClinVar (database versions not stated): gnomAD exomes 0.00002; ExAC 0.00003; gnomAD 0.00007 and 0.00008; ESP Exome Variant Server 0.00008; TOPMed 0.00011.
gnomAD v4.1: 44 of 1,486,398 alleles (0.003%); highest among the groups gnomAD compares: African/African-American, 0.016%; no homozygotes.

Submission:

Labcorp Genetics (formerly Invitae), Labcorp
Classification: Uncertain significance. Last evaluated: 2025-11-03. Review status: criteria provided, single submitter. Criteria: Invitae Variant Classification Sherloc (09022015). Collection method: clinical testing. Allele origin: germline.
Comment: This sequence change falls in intron 9 of the ERBIN gene. It does not directly change the encoded amino acid sequence of the ERBIN protein. It affects a nucleotide within the consensus splice site. This variant is present in population databases (rs375483380, gnomAD 0.009%). This variant has not been reported in the literature in individuals affected with ERBIN-related conditions. ClinVar contains an entry for this variant (Variation ID: 1426487). Variants that disrupt the consensus splice site are a relatively common cause of aberrant splicing (PMID: 17576681, 9536098). Algorithms developed to predict the effect of sequence changes on RNA splicing suggest that this variant is not likely to affect RNA splicing. In summary, the available evidence is currently insufficient to determine the role of this variant in disease. Therefore, it has been classified as a Variant of Uncertain Significance.

Literature cited by the submitters: PubMed 17576681; PubMed 9536098.

NM_001253697.2(ERBIN):c.673-3T>C

Gene: ERBIN (erbb2 interacting protein; plus strand). Cytogenetic location: 5q12.3.
Variant type: single nucleotide variant.
Coding change: c.673-3T>C on transcript NM_001253697.2 (MANE Select); 3 bases into the intron before coding-DNA position 673, T replaced by C.
Molecular consequence: intron variant.
Genome position (GRCh38, 1-based): chr5:66,024,303, T>C. VCF-style: chr5-66024303-T-C. GRCh37 (hg19) VCF-style: chr5-65320131-T-C.
Other names: c.673-3T>C (NM_001253699.2, NM_018695.4, NM_001253698.2 and 2 more transcripts).
Identifiers: ClinVar variation 1426487 (VCV001426487.6), dbSNP rs375483380, ClinGen allele CA3286023.
Genomic context (GRCh38, chr5:66,024,303, plus strand): 5'-CCTAAACTTTTTACAAATTACTAATGTTAATAGAGTCATTAGATTTTCTTTTTTTACTTA[T>C]AGTTTATTGGTAGTTTGAAACAGCTCACATATTTGGATGTTTCTAAAAATAATATTGAAA-3'